The following is an entry in ClinVar:

ClinVar aggregate classification (germline): Uncertain significance (1 of 4 stars; one submission).

gnomAD v4.1: 126 of 1,614,030 alleles (0.0078%); highest among the groups gnomAD compares: Middle Eastern, 0.017%; no homozygotes.

Submission:

GeneDx
Classification: Uncertain significance. Last evaluated: 2026-03-29. Review status: criteria provided, single submitter. Criteria: GeneDx Variant Classification Process June 2021. Collection method: clinical testing. Allele origin: germline.
Comment: Has not been previously published as pathogenic or benign to our knowledge; In silico analysis suggests this variant may impact gene splicing. In the absence of RNA/functional studies, the actual effect of this sequence change is unknown.

NM_004667.6(HERC2):c.13884G>A (p.Ala4628=)

Gene: HERC2 (HECT and RLD domain containing E3 ubiquitin protein ligase 2; minus strand). Cytogenetic location: 15q13.1.
Variant type: single nucleotide variant.
Coding change: c.13884G>A on transcript NM_004667.6 (MANE Select); coding-DNA position 13884, G replaced by A.
Protein change: p.Ala4628=; no amino-acid change (alanine 4628 retained).
Molecular consequence: synonymous variant.
Genome position (GRCh38, 1-based): chr15:28,114,641, C>T on the plus strand (G>A on the coding strand, the complement: HERC2 is on the minus strand). VCF-style: chr15-28114641-C-T. GRCh37 (hg19) VCF-style: chr15-28359787-C-T.
Identifiers: ClinVar variation 4278584 (VCV004278584.2).